The following is an entry in ClinVar:

ClinVar aggregate classification (germline): Uncertain significance (1 of 4 stars; one submission).

Conditions:
TTN-related disorder. Also called: TTN-related disorders; TTN-related condition; TTN-related disease.

gnomAD v4.1: 8 of 1,584,930 alleles (0.0005%); highest among the groups gnomAD compares: Admixed American, 0.0017%; no homozygotes.

Submission:

PreventionGenetics, part of Exact Sciences
Classification: Uncertain significance for TTN-related condition. Last evaluated: 2025-05-30. Review status: criteria provided, single submitter. Criteria: ACMG Guidelines, 2015. Collection method: clinical testing. Allele origin: germline.
Comment: The TTN c.38414A>C variant is predicted to result in the amino acid substitution p.Lys12805Thr. To our knowledge, this variant has not been reported in the literature. This variant is reported in 0.0053% of alleles in individuals of Latino descent in gnomAD. At this time, the clinical significance of this variant is uncertain due to the absence of conclusive functional and genetic evidence.

NM_001267550.2(TTN):c.38414A>C (p.Lys12805Thr)

Gene: TTN (titin; minus strand). Cytogenetic location: 2q31.2.
Variant type: single nucleotide variant.
Coding change: c.38414A>C on transcript NM_001267550.2 (MANE Select); coding-DNA position 38414, A replaced by C.
Protein change: p.Lys12805Thr; replaces lysine 12805 with threonine.
Molecular consequence: missense variant. On other transcripts: intron variant (5).
Genome position (GRCh38, 1-based): chr2:178,654,062, T>G on the plus strand (A>C on the coding strand, the complement: TTN is on the minus strand). VCF-style: chr2-178654062-T-G. GRCh37 (hg19) VCF-style: chr2-179518789-T-G.
Other names: c.13283-11745A>C (NM_003319.4); c.13859-11745A>C (NM_133437.4); c.13658-11745A>C (NM_133432.3); c.31742-1521A>C (NM_133378.4); c.34523-1521A>C (NM_001256850.1); short protein forms K12805T.
Identifiers: ClinVar variation 4985699 (VCV004985699.1).